The following is an entry in ClinVar:

ClinVar aggregate classification (germline): Uncertain significance. Review status: criteria provided, multiple submitters, no conflicts (2 of 4 stars). 3 submissions from 3 submitters: Uncertain significance (3). Last evaluated 2025-04-08.

Conditions:
Blepharocheilodontic syndrome 1 (BCDS1). Identifiers: Orphanet 1997, MedGen C4551988, MONDO:0054740, OMIM 119580.
Hereditary diffuse gastric adenocarcinoma (HDGC). Also called: DIFFUSE GASTRIC AND LOBULAR BREAST CANCER SYNDROME. Identifiers: Orphanet 26106, MedGen C1708349, MONDO:0007648, OMIM 137215.
Hereditary cancer-predisposing syndrome. Also called: Neoplastic Syndromes, Hereditary; Tumor predisposition; Hereditary neoplastic syndrome; Hereditary Cancer Syndrome. Identifiers: Orphanet 140162, MedGen C0027672, MeSH D009386, MONDO:0015356.

Submissions (3):

Dasa
Classification: Uncertain significance for Blepharocheilodontic syndrome 1. Last evaluated: 2025-04-08. Review status: criteria provided, single submitter. Criteria: DASA Assertion Criteria. Collection method: clinical testing. Allele origin: germline.
Comment: NM_004360.5(CDH1):c.774_776del (p.Asn258del) is an in-frame deletion predicted to remove asparagine at protein position 258 without shifting the reading frame. This variant is absent from population databases. The currently available literature and clinical evidence are not sufficient to establish a definitive association between this variant and the reported condition. Therefore, this variant is classified as a variant of uncertain significance.

Ambry Genetics
Classification: Uncertain significance for Hereditary cancer-predisposing syndrome. Last evaluated: 2022-02-08. Review status: criteria provided, single submitter. Criteria: Ambry Variant Classification Scheme 2023. Collection method: clinical testing. Allele origin: germline.
Comment: The c.774_776delCAA variant (also known as p.N258del) is located in coding exon 6 of the CDH1 gene. This variant results from an in-frame CAA deletion at nucleotide positions 774 to 776. This results in the in-frame deletion of an asparagine at codon 258. This amino acid position is highly conserved in available vertebrate species. In addition, this alteration is predicted to be deleterious by in silico analysis (Choi Y et al. PLoS ONE. 2012; 7(10):e46688). Since supporting evidence is limited at this time, the clinical significance of this alteration remains unclear.

Labcorp Genetics (formerly Invitae), Labcorp
Classification: Uncertain significance for Hereditary diffuse gastric adenocarcinoma. Last evaluated: 2022-01-11. Review status: criteria provided, single submitter. Criteria: Invitae Variant Classification Sherloc (09022015). Collection method: clinical testing. Allele origin: germline.
Comment: In summary, the available evidence is currently insufficient to determine the role of this variant in disease. Therefore, it has been classified as a Variant of Uncertain Significance. Experimental studies and prediction algorithms are not available or were not evaluated, and the functional significance of this variant is currently unknown. This variant has not been reported in the literature in individuals affected with CDH1-related conditions. This variant is not present in population databases (gnomAD no frequency). This variant, c.774_776del, results in the deletion of 1 amino acid(s) of the CDH1 protein (p.Asn258del), but otherwise preserves the integrity of the reading frame.

NM_004360.5(CDH1):c.771CAA[1] (p.Asn258del)

Gene: CDH1 (cadherin 1; plus strand). Cytogenetic location: 16q22.1.
Variant type: Microsatellite.
Coding change: c.771CAA[1] on transcript NM_004360.5 (MANE Select); one copy of the 3-base unit CAA starting at c.771; the reference has two copies in a row; one copy, 3 bases deleted; also written c.774_776del.
Protein change: p.Asn258del; deletes asparagine 258.
Molecular consequence: inframe deletion. On other transcripts: 5 prime UTR variant (2), inframe indel (2).
Genome position (GRCh38, 1-based): chr16:68,810,283-68,810,285, CAA deleted; deleting any 3 consecutive bases within chr16:68,810,279-68,810,285 gives the same sequence; the position shown is the placement nearest the transcript's 3' end. VCF-style (leftmost placement, unchanged base first): chr16-68810278-GACA-G. GRCh37 (hg19) VCF-style: chr16-68844181-GACA-G.
Other names: c.771CAA[1], p.Asn258del (NM_001317184.2); c.-845CAA[1] (NM_001317185.2); c.-1049CAA[1] (NM_001317186.2); c.771_773CAA[1], p.Asn258del (NM_004360.3); c.774_776delCAA (NM_004360.3); c.774_776del (NM_004360.5); short protein forms N258del.
Identifiers: ClinVar variation 1760399 (VCV001760399.9), dbSNP rs2543919100, ClinGen allele CA2580612864.